The following is an entry in ClinVar:

NM_001903.5(CTNNA1):c.1900-3C>T

Gene: CTNNA1 (catenin alpha 1; plus strand). Cytogenetic location: 5q31.2.
Variant type: single nucleotide variant.
Coding change: c.1900-3C>T on transcript NM_001903.5 (MANE Select); 3 bases into the intron before coding-DNA position 1900, C replaced by T.
Molecular consequence: intron variant.
Genome position (GRCh38, 1-based): chr5:138,929,243, C>T. VCF-style: chr5-138929243-C-T. GRCh37 (hg19) VCF-style: chr5-138264932-C-T.
Other names: c.1900-3C>T (NM_001323982.2, NM_001323984.2, NM_001290307.3 and 2 more transcripts); c.1807-3C>T (NM_001323986.2); c.1531-3C>T (NM_001290310.3); c.1591-3C>T (NM_001290309.3); c.790-3C>T (NM_001323996.1, NM_001323993.1, NM_001324005.1 and 17 more transcripts); c.451-3C>T (NM_001324007.1, NM_001324009.1, NM_001324006.1 and 2 more transcripts); c.547-3C>T (NM_001324013.1, NM_001324012.1); c.697-3C>T (NM_001324011.1).
Identifiers: ClinVar variation 1418480 (VCV001418480.6), dbSNP rs2150324583, ClinGen allele CA2573139148.
Genomic context (GRCh38, chr5:138,929,243, plus strand): 5'-AGGGTGGCTGGGGGCTGGTGGCCCAGAGATGTGTCTGACCTGTGATCTTTGTCTGGGTGG[C>T]AGACCCCTGAGGAGTTGGATGACTCTGACTTTGAGACAGAAGATTTTGATGTCAGAAGCA-3'

ClinVar aggregate classification (germline): Uncertain significance (1 of 4 stars; one submission).

Submission:

Labcorp Genetics (formerly Invitae), Labcorp
Classification: Uncertain significance. Last evaluated: 2020-11-11. Review status: criteria provided, single submitter. Criteria: Invitae Variant Classification Sherloc (09022015). Collection method: clinical testing. Allele origin: germline.
Comment: In summary, the available evidence is currently insufficient to determine the role of this variant in disease. Therefore, it has been classified as a Variant of Uncertain Significance. Nucleotide substitutions within the consensus splice site are a relatively common cause of aberrant splicing (PMID: 17576681, 9536098). Algorithms developed to predict the effect of sequence changes on RNA splicing suggest that this variant may disrupt the consensus splice site, but this prediction has not been confirmed by published transcriptional studies. This variant has not been reported in the literature in individuals with CTNNA1-related conditions. This variant is not present in population databases (ExAC no frequency). This sequence change falls in intron 13 of the CTNNA1 gene. It does not directly change the encoded amino acid sequence of the CTNNA1 protein. It affects a nucleotide within the consensus splice site of the intron.

Literature cited by the submitters: PubMed 17576681; PubMed 9536098.